The following is an entry in ClinVar:

ClinVar aggregate classification (germline): Pathogenic (1 of 4 stars; one submission).

Conditions:
Primary ciliary dyskinesia. Also called: Ciliary dyskinesia. Identifiers: Orphanet 244, MedGen C0008780, MONDO:0016575, HP:0012265.

Submission:

Labcorp Genetics (formerly Invitae), Labcorp
Classification: Pathogenic for Primary ciliary dyskinesia. Last evaluated: 2022-03-24. Review status: criteria provided, single submitter. Criteria: Invitae Variant Classification Sherloc (09022015). Collection method: clinical testing. Allele origin: germline.
Comment: This premature translational stop signal has been observed in individual(s) with primary ciliary dyskinesia (PMID: 30300419). It has also been observed to segregate with disease in related individuals. For these reasons, this variant has been classified as Pathogenic. This variant is not present in population databases (gnomAD no frequency). This sequence change creates a premature translational stop signal (p.Thr318Tyrfs*11) in the DNAI1 gene. It is expected to result in an absent or disrupted protein product. Loss-of-function variants in DNAI1 are known to be pathogenic (PMID: 16858015, 29363216).

Literature cited by the submitters: PubMed 30300419; PubMed 16858015; PubMed 29363216.

NM_012144.4(DNAI1):c.947dup (p.Thr318fs)

Gene: DNAI1 (dynein axonemal intermediate chain 1; plus strand). Cytogenetic location: 9p13.3.
Variant type: Duplication.
Coding change: c.947dup on transcript NM_012144.4 (MANE Select); coding-DNA position 947, one base duplicated (T; older notation c.947dupT).
Protein change: p.Thr318fs; shifts the reading frame from threonine 318.
Molecular consequence: frameshift variant.
Genome position (GRCh38, 1-based): chr9:34,500,767, T duplicated. VCF-style (leftmost placement, unchanged base first): chr9-34500766-G-GT. GRCh37 (hg19) VCF-style: chr9-34500764-G-GT.
Other names: c.959dup, p.Thr322fs (NM_001281428.2); short protein forms T318fs, T322fs.
Identifiers: ClinVar variation 2116429 (VCV002116429.4), dbSNP rs2492072326, ClinGen allele CA2580080464.
Genomic context (GRCh38, chr9:34,500,766, plus strand): 5'-CCTGTGTGTGTTTAAGATTTTAAGTACTATGACGATGCTGCTGATGAATACCGGGACCAG[G>GT]TGGGTACCCTGCTGCCGCTCTGGAAGTTCCAAAATGACAAAGCCAAGCGCCTGTCCGTCA-3'